The following is an entry in ClinVar:

ClinVar aggregate classification (germline): Uncertain significance (1 of 4 stars; one submission).

Conditions:
Alstrom syndrome (ALMS). Identifiers: Orphanet 64, MedGen C0268425, MONDO:0008763, OMIM 203800.

Submission:

Labcorp Genetics (formerly Invitae), Labcorp
Classification: Uncertain significance for Alstrom syndrome. Last evaluated: 2023-08-10. Review status: criteria provided, single submitter. Criteria: Invitae Variant Classification Sherloc (09022015). Collection method: clinical testing. Allele origin: germline.
Comment: This variant has not been reported in the literature in individuals affected with ALMS1-related conditions. In summary, the available evidence is currently insufficient to determine the role of this variant in disease. Therefore, it has been classified as a Variant of Uncertain Significance. Experimental studies and prediction algorithms are not available or were not evaluated, and the functional significance of this variant is currently unknown. ClinVar contains an entry for this variant (Variation ID: 1417613). This variant is not present in population databases (gnomAD no frequency). This sequence change replaces arginine, which is basic and polar, with threonine, which is neutral and polar, at codon 3799 of the ALMS1 protein (p.Arg3799Thr).

NM_001378454.1(ALMS1):c.11393G>C (p.Arg3798Thr)

Gene: ALMS1 (ALMS1 centrosome and basal body associated protein; plus strand). Cytogenetic location: 2p13.1.
Variant type: single nucleotide variant.
Coding change: c.11393G>C on transcript NM_001378454.1 (MANE Select); coding-DNA position 11393, G replaced by C.
Protein change: p.Arg3798Thr; replaces arginine 3798 with threonine.
Molecular consequence: missense variant.
Genome position (GRCh38, 1-based): chr2:73,573,270, G>C. VCF-style: chr2-73573270-G-C. GRCh37 (hg19) VCF-style: chr2-73800397-G-C.
Other names: c.11396G>C, p.Arg3799Thr (NM_015120.4); short protein forms R3798T, R3799T.
Identifiers: ClinVar variation 1417613 (VCV001417613.6), dbSNP rs1006564458, ClinGen allele CA347289470.